The following is an entry in ClinVar:

ClinVar aggregate classification (germline): Pathogenic/Likely pathogenic. Review status: criteria provided, multiple submitters, no conflicts (2 of 4 stars). 10 submissions from 9 submitters: Pathogenic (7); Likely pathogenic (1). 2 of the submissions do not count toward it. Last evaluated 2026-02-05.

Conditions:
Hereditary nonpolyposis colorectal neoplasms. Identifiers: MedGen C0009405, MeSH D003123.
Hereditary cancer-predisposing syndrome. Also called: Hereditary Cancer Syndrome; Neoplastic Syndromes, Hereditary; Hereditary neoplastic syndrome; Tumor predisposition. Identifiers: Orphanet 140162, MedGen C0027672, MeSH D009386, MONDO:0015356.
Lynch syndrome 4 (LYNCH4). Also called: Colorectal cancer, hereditary nonpolyposis, type 4; Hereditary non-polyposis colorectal cancer, type 4. Identifiers: Orphanet 144, MedGen C1838333, MONDO:0013699, OMIM 614337. Disease mechanism: loss of function.

Submissions (10):

GeneDx
Classification: Pathogenic. Last evaluated: 2026-02-05. Review status: criteria provided, single submitter. Criteria: GeneDx Variant Classification Process June 2021. Collection method: clinical testing. Allele origin: germline. Affected: yes.
Comment: Observed in patients with Lynch-related cancers and tumor studies consistent with pathogenic variants in this gene (PMID: 20487569, 25980754, 25856668, 31992580); Frameshift variant predicted to result in protein truncation or nonsense mediated decay in a gene for which loss of function is a known mechanism of disease; Not observed at significant frequency in large population cohorts (gnomAD); Truncating variants in this gene are considered pathogenic by a well-established clinical consortium and/or database; This variant is associated with the following publications: (PMID: 20487569, 25856668, 27064304, 28514183, 27435373, 30787465, 31992580, 25980754, 40941673)

Labcorp Genetics (formerly Invitae), Labcorp
Classification: Pathogenic for Hereditary nonpolyposis colorectal neoplasms. Last evaluated: 2025-11-17. Review status: criteria provided, single submitter. Criteria: Invitae Variant Classification Sherloc (09022015). Collection method: clinical testing. Allele origin: germline.
Comment: This sequence change creates a premature translational stop signal (p.Asp249Valfs*2) in the PMS2 gene. It is expected to result in an absent or disrupted protein product. Loss-of-function variants in PMS2 are known to be pathogenic (PMID: 21376568, 24362816). This variant is not present in population databases (gnomAD no frequency). This premature translational stop signal has been observed in individual(s) with colorectal cancer and suspected Lynch syndrome (PMID: 20487569, 25980754, 27064304, 27435373). Invitae Evidence Modeling of clinical and family history, age, sex, and reported ancestry of multiple individuals with this PMS2 variant has been performed. This variant is expected to be pathogenic with a positive predictive value of at least 99%. This is a validated machine learning model that incorporates the clinical features of 1,627,235 individuals referred to our laboratory for PMS2 testing. ClinVar contains an entry for this variant (Variation ID: 142778). Studies have shown that this premature translational stop signal is associated with inconclusive levels of altered splicing (internal data). For these reasons, this variant has been classified as Pathogenic.

Clinical Genetics Laboratory, Skane University Hospital Lund
Classification: Pathogenic for Hereditary cancer-predisposing syndrome. Last evaluated: 2025-06-18. Review status: criteria provided, single submitter. Criteria: ACMG Guidelines, 2015. Collection method: clinical testing. Allele origin: germline.
Comment: ACMG criteria applied: PVS1, PS4, PM2_supporting

Myriad Genetics, Inc.
Classification: Pathogenic for Lynch syndrome 4. Last evaluated: 2023-09-19. Review status: criteria provided, single submitter. Criteria: Myriad Autosomal Dominant, Autosomal Recessive and X-Linked Classification Criteria (2023). Collection method: clinical testing. Allele origin: unknown.
Comment: This variant is considered pathogenic. This variant creates a frameshift predicted to result in premature protein truncation.

Baylor Genetics
Classification: Likely pathogenic for Lynch syndrome 4. Last evaluated: 2023-04-20. Review status: criteria provided, single submitter. Criteria: ACMG Guidelines, 2015. Collection method: clinical testing. Allele origin: unknown.

Revvity Omics, Revvity
Classification: Pathogenic. Last evaluated: 2022-09-24. Review status: criteria provided, single submitter. Criteria: ACMG Guidelines, 2015. Collection method: clinical testing. Allele origin: germline.

Color Diagnostics, LLC DBA Color Health
Classification: Pathogenic for Hereditary cancer-predisposing syndrome. Last evaluated: 2022-03-21. Review status: criteria provided, single submitter. Criteria: ACMG Guidelines, 2015. Collection method: clinical testing. Allele origin: germline.
Comment: This variant deletes 8 nucleotides in exon 7 of the PMS2 gene, creating a frameshift and premature translation stop signal. This variant is expected to result in an absent or non-functional protein product. This variant has been reported in individuals affected with or suspected of having Lynch syndrome or constitutional mismatch repair deficiency (PMID: 20487569, 25980754, 27064304, 27435373, 32642664). This variant has not been identified in the general population by the Genome Aggregation Database (gnomAD). Loss of PMS2 function is a known mechanism of disease. Based on the available evidence, this variant is classified as Pathogenic.

Ambry Genetics
Classification: Pathogenic for Hereditary cancer-predisposing syndrome. Last evaluated: 2021-06-25. Review status: criteria provided, single submitter. Criteria: Ambry Variant Classification Scheme 2023. Collection method: clinical testing. Allele origin: germline.
Comment: The c.746_753delACTCCGTG pathogenic mutation, located in coding exon 7 of the PMS2 gene, results from a deletion of 8 nucleotides at nucleotide positions 746 to 753, causing a translational frameshift with a predicted alternate stop codon (p.D249Vfs*2). This mutation has been reported in multiple individuals with a personal and/or family history of HNPCC/Lynch syndrome-associated cancers (Talseth-Palmer BA et al. Hered Cancer Clin Pract, 2010 May;8:5; Yurgelun MB et al. Gastroenterology, 2015 Sep;149:604-13.e20; van der Klift HM et al. Hum Mutat, 2016 11;37:1162-1179; Espenschied CR et al. J Clin Oncol, 2017 Aug;35:2568-2575). This mutation has also been detected in conjunction with a second PMS2 mutation in patients with features consistent with constitutional mismatch repair deficiency (CMMRD) syndrome (Guerrini-Rousseau L et al. Neurooncol Adv Dec;1:vdz033; Ambry internal data). In addition to the clinical data presented in the literature, this alteration is expected to result in loss of function by premature protein truncation or nonsense-mediated mRNA decay. As such, this alteration is interpreted as a disease-causing mutation.

Department of Pathology and Laboratory Medicine, Sinai Health System
Classification: Pathogenic. Review status: no assertion criteria provided. Collection method: clinical testing. Allele origin: unknown. Affected: yes. Observed: 1 variant allele. Study: The Canadian Open Genetics Repository (COGR). Not counted in ClinVar's aggregate classification.
Comment: The PMS2 p.Asp249Valfs*2 variant was identified in 3 of 3382 proband chromosomes (frequency: 0.0009) from individuals or families with Lynch syndrome (Talseth-Palmer 2016, van der Klift 2016, Yurgelun 2015). The variant was also identified in dbSNP (ID: rs587782710) as â€šÃ„ÃºWith Pathogenic alleleâ€šÃ„Ã¹, ClinVar and Clinvitae (as pathogenic by Ambry Genetics and Invitae), and Insight Hereditary Tumors Database (4x). The variant was not identified in COGR, Cosmic, MutDB, Zhejiang Colon Cancer Database, or the Mismatch Repair Genes Variant Database. The variant was not identified in the following control databases: the 1000 Genomes Project, the NHLBI GO Exome Sequencing Project, the Exome Aggregation Consortium (August 8th 2016), or the Genome Aggregation Database (Feb 27, 2017). The c.746_753del variant is predicted to cause a frameshift, which alters the protein's amino acid sequence beginning at codon 249 and leads to a premature stop codon at position 250. This alteration is then predicted to result in a truncated or absent protein and loss of function. Loss of function variants of the PMS2 gene are an established mechanism of disease in Lynch syndrome and is the type of variant expected to cause the disorder. In summary, based on the above information this variant meets our laboratoryâ€šÃ„Ã´s criteria to be classified as pathogenic.

Ambry Genetics
Classification: Pathogenic for Hereditary cancer-predisposing syndrome. Last evaluated: 2014-03-20. Review status: flagged submission. Criteria: Ambry Autosomal Dominant and X-Linked criteria (10/2015). Collection method: clinical testing. Allele origin: germline. Observed: 1 variant allele. Not counted in ClinVar's aggregate classification.
Comment: The c.746_753del8 pathogenic mutation located in coding exon 7 of the PMS2 gene, results from a deletion of 8 nucleotides at nucleotide positions 746 to 753, causing a translational frameshift with a predicted alternate stop codon. In addition to the clinical data presented in the literature, since frameshifts are typically deleterious in nature, this alteration is interpreted as a disease-causing mutation (ACMG Recommendations for Standards for Interpretation and Reporting of Sequence Variations. Revision 2007. Genet Med. 2008;10:294).
ClinVar note: Reason: This record appears to be redundant with a more recent record from the same submitter.
ClinVar note: Notes: SCV000187261 appears to be redundant with SCV000275106.

Literature cited by the submitters: PubMed 21376568 (cited by Labcorp Genetics (formerly Invitae), Labcorp); PubMed 24362816 (cited by Labcorp Genetics (formerly Invitae), Labcorp); PubMed 20487569 (cited by 3 submitters); PubMed 25980754 (cited by 3 submitters); PubMed 27064304 (cited by Labcorp Genetics (formerly Invitae), Labcorp and Color Diagnostics, LLC DBA Color Health); PubMed 27435373 (cited by 3 submitters); PubMed 32642664 (cited by Color Diagnostics, LLC DBA Color Health and Ambry Genetics); PubMed 28514183 (cited by Ambry Genetics).

NM_000535.7(PMS2):c.746_753del (p.Asp249fs)

Gene: PMS2 (PMS1 homolog 2, mismatch repair system component; minus strand). Cytogenetic location: 7p22.1.
Variant type: Deletion.
Coding change: c.746_753del on transcript NM_000535.7 (MANE Select); coding-DNA positions 746 to 753, 8 bases deleted (ACTCCGTG; older notation c.746_753delACTCCGTG).
Protein change: p.Asp249fs; shifts the reading frame from aspartic acid 249.
Molecular consequence: frameshift variant. On other transcripts: 5 prime UTR variant (2), non-coding transcript variant (1).
Genome position (GRCh38, 1-based): chr7:5,997,376-5,997,383, CACGGAGT deleted on the plus strand (ACTCCGTG on the coding strand, the reverse complement: PMS2 is on the minus strand); deleting any 8 consecutive bases within chr7:5,997,376-5,997,386 gives the same sequence; the c. name uses the placement nearest the transcript's 3' end. VCF-style (leftmost placement, unchanged base first): chr7-5997375-ACACGGAGT-A. GRCh37 (hg19) VCF-style: chr7-6037006-ACACGGAGT-A.
Other names: c.746_753del (NM_000535.5); c.341_348del, p.Asp114fs (NM_001322003.2, NM_001322004.2, NM_001322005.2 and 2 more transcripts); c.746_753del, p.Asp249fs (NM_001322006.2, NM_001322014.2); c.428_435del, p.Asp143fs (NM_001322007.2, NM_001322008.2); c.-188_-181del (NM_001322011.2, NM_001322012.2); c.173_180del, p.Asp58fs (NM_001322013.2); c.437_444del, p.Asp146fs (NM_001322015.2); short protein forms D143fs, D58fs, D146fs, D114fs, D249fs.
Identifiers: ClinVar variation 142778 (VCV000142778.28), dbSNP rs587782710, ClinGen allele CA012718.